The following is an entry in ClinVar:

NM_006393.3(NEBL):c.2230A>C (p.Asn744His)

Gene: NEBL (nebulette; minus strand). Cytogenetic location: 10p12.31.
Variant type: single nucleotide variant.
Coding change: c.2230A>C on transcript NM_006393.3 (MANE Select); coding-DNA position 2230, A replaced by C.
Protein change: p.Asn744His; replaces asparagine 744 with histidine.
Molecular consequence: missense variant. On other transcripts: intron variant (9).
Genome position (GRCh38, 1-based): chr10:20,815,636, T>G on the plus strand (A>C on the coding strand, the complement: NEBL is on the minus strand). VCF-style: chr10-20815636-T-G. GRCh37 (hg19) VCF-style: chr10-21104565-T-G.
Other names: c.250-2696A>C (NM_001377326.1, NM_001377327.1, NM_001377328.1); c.358-2696A>C (NM_213569.2, NM_001173484.2, NM_001377322.1); c.301-2696A>C (NM_001377324.1); c.292-2696A>C (NM_001377325.1); c.310-2696A>C (NM_001377323.1); short protein forms N744H.
Identifiers: ClinVar variation 1413488 (VCV001413488.6), dbSNP rs2130804609, ClinGen allele CA376093833.
Genomic context (GRCh38, chr10:20,815,636, plus strand): 5'-ATAAAAGACACATCCTTTGTGATAGTCTAAAATGAAGAAAACCACTTGCCGAGCTAATAT[T>G]TTCTTGATTCTTCTTCACTCTTTCCATTTCAGGAGTTACACTTAAAGTGGTAGCTCTTCC-3'
Protein context (NP_006384.1, residues 734-754): EMERVKKNQE[Asn744His]ISSVKYTQDH

ClinVar aggregate classification (germline): Uncertain significance (1 of 4 stars; one submission).

Conditions:
Primary dilated cardiomyopathy (DCM). Also called: Dilated Cardiomyopathy. Identifiers: Orphanet 217604, MedGen C0007193, MeSH D002311, MONDO:0005021, HP:0001644. Inheritance: Various modes of inheritance.

gnomAD v4.1: 1 of 1,608,854 alleles (0.000062%); highest among the groups gnomAD compares: Non-Finnish European, 0.000085%; no homozygotes.

Submission:

Labcorp Genetics (formerly Invitae), Labcorp
Classification: Uncertain significance for Primary dilated cardiomyopathy. Last evaluated: 2021-10-08. Review status: criteria provided, single submitter. Criteria: Invitae Variant Classification Sherloc (09022015). Collection method: clinical testing. Allele origin: germline.
Comment: This sequence change replaces asparagine with histidine at codon 744 of the NEBL protein (p.Asn744His). The asparagine residue is highly conserved and there is a small physicochemical difference between asparagine and histidine. This variant is not present in population databases (ExAC no frequency). This variant has not been reported in the literature in individuals affected with NEBL-related conditions. Algorithms developed to predict the effect of missense changes on protein structure and function are either unavailable or do not agree on the potential impact of this missense change (SIFT: "Deleterious"; PolyPhen-2: "Probably Damaging"; Align-GVGD: "Class C0"). In summary, the available evidence is currently insufficient to determine the role of this variant in disease. Therefore, it has been classified as a Variant of Uncertain Significance.